The following is an entry in ClinVar:

ClinVar aggregate classification (germline): Pathogenic. Review status: criteria provided, single submitter (1 of 4 stars). 2 submissions from 2 submitters: Pathogenic (1). 1 of the submissions does not count toward it. Last evaluated 2022-12-23.

Conditions:
EPHB4-related disorder. Also called: EPHB4-related condition; EPHB4-related disorders.

Submissions (2):

Labcorp Genetics (formerly Invitae), Labcorp
Classification: Pathogenic. Last evaluated: 2022-12-23. Review status: criteria provided, single submitter. Criteria: Invitae Variant Classification Sherloc (09022015). Collection method: clinical testing. Allele origin: germline.
Comment: This sequence change creates a premature translational stop signal (p.Pro79Thrfs*38) in the EPHB4 gene. It is expected to result in an absent or disrupted protein product. Loss-of-function variants in EPHB4 are known to be pathogenic (PMID: 28687708). This variant is not present in population databases (gnomAD no frequency). This variant has not been reported in the literature in individuals affected with EPHB4-related conditions. ClinVar contains an entry for this variant (Variation ID: 1383632). For these reasons, this variant has been classified as Pathogenic.

PreventionGenetics, part of Exact Sciences
Classification: Likely pathogenic for EPHB4-related condition. Last evaluated: 2024-06-07. Review status: no assertion criteria provided. Collection method: clinical testing. Allele origin: germline. Not counted in ClinVar's aggregate classification.
Comment: The EPHB4 c.235_236delCC variant is predicted to result in a frameshift and premature protein termination (p.Pro79Thrfs*38). To our knowledge, this variant has not been reported in the literature or in a large population database, indicating this variant is rare. Frameshift variants in EPHB4 are expected to be pathogenic. This variant is interpreted as likely pathogenic.

Literature cited by the submitters: PubMed 28687708 (cited by Labcorp Genetics (formerly Invitae), Labcorp).

NM_004444.5(EPHB4):c.235_236del (p.Pro79fs)

Gene: EPHB4 (EPH receptor B4; minus strand). Cytogenetic location: 7q22.1.
Variant type: Deletion.
Coding change: c.235_236del on transcript NM_004444.5 (MANE Select); coding-DNA positions 235 to 236, 2 bases deleted (CC; older notation c.235_236delCC).
Protein change: p.Pro79fs; shifts the reading frame from proline 79.
Molecular consequence: frameshift variant.
Genome position (GRCh38, 1-based): chr7:100,823,819-100,823,820, GG deleted on the plus strand (CC on the coding strand, the reverse complement: EPHB4 is on the minus strand); deleting any 2 consecutive bases within chr7:100,823,819-100,823,821 gives the same sequence; the c. name uses the placement nearest the transcript's 3' end. VCF-style (leftmost placement, unchanged base first): chr7-100823818-TGG-T. GRCh37 (hg19) VCF-style: chr7-100421440-TGG-T.
Other names: c.235_236delCC (NM_004444.4); short protein forms P79fs.
Identifiers: ClinVar variation 1383632 (VCV001383632.7), dbSNP rs2116461878, ClinGen allele CA2573141365.
Genomic context (GRCh38, chr7:100,823,818, plus strand): 5'-GGACAGGCACTCGAGCATGGTGAAGCGCAGCGTGGCGTACACGTGGACGGCGCCCCGCCG[TGG>T]GACCCAACCTGTGCGAAGCCAGTGGGCCTGGCCCGGGGCACGCTGCACGTCACACACTTC-3'